The following is an entry in ClinVar:

NM_000238.4(KCNH2):c.1877G>T (p.Gly626Val)

Gene: KCNH2 (potassium voltage-gated channel subfamily H member 2; minus strand). Cytogenetic location: 7q36.1.
Variant type: single nucleotide variant.
Coding change: c.1877G>T on transcript NM_000238.4 (MANE Select); coding-DNA position 1877, G replaced by T.
Protein change: p.Gly626Val; replaces glycine 626 with valine.
Molecular consequence: missense variant.
Genome position (GRCh38, 1-based): chr7:150,951,516, C>A on the plus strand (G>T on the coding strand, the complement: KCNH2 is on the minus strand). VCF-style: chr7-150951516-C-A. GRCh37 (hg19) VCF-style: chr7-150648604-C-A.
Other names: c.1877G>T (LRG_288t1); c.857G>T, p.Gly286Val (NM_001204798.2, NM_172057.3); c.1589G>T, p.Gly530Val (NM_001406753.1, NM_001406756.1); c.1700G>T, p.Gly567Val (NM_001406755.1); c.1577G>T, p.Gly526Val (NM_001406757.1); c.1877G>T, p.Gly626Val (NM_172056.3); short protein forms G286V, G626V, G567V, G526V, G530V.
Identifiers: ClinVar variation 67307 (VCV000067307.6), dbSNP rs199472952, ClinGen allele CA005765.

ClinVar aggregate classification (germline): Uncertain significance. Review status: criteria provided, single submitter (1 of 4 stars). 2 submissions from 2 submitters: Uncertain significance (1). 1 of the submissions does not count toward it. Last evaluated 2022-12-23.

Conditions:
Familial long QT syndrome (RWS). Also called: Congenital long QT syndrome; Romano-Ward syndrome; VENTRICULAR FIBRILLATION WITH PROLONGED QT INTERVAL. Identifiers: Orphanet 768, MedGen C1141890, MONDO:0019171.
Long QT syndrome (LQTS). Identifiers: MedGen C0023976, MeSH D008133, MONDO:0002442. Disease mechanism: loss of function. Inheritance: Various modes of inheritance.

Submissions (2):

Labcorp Genetics (formerly Invitae), Labcorp
Classification: Uncertain significance for Long QT syndrome. Last evaluated: 2022-12-23. Review status: criteria provided, single submitter. Criteria: Invitae Variant Classification Sherloc (09022015). Collection method: clinical testing. Allele origin: germline.
Comment: This variant is not present in population databases (gnomAD no frequency). This sequence change replaces glycine, which is neutral and non-polar, with valine, which is neutral and non-polar, at codon 626 of the KCNH2 protein (p.Gly626Val). This missense change has been observed in individual(s) with long QT syndrome (PMID: 10862104). It has also been observed to segregate with disease in related individuals. ClinVar contains an entry for this variant (Variation ID: 67307). Algorithms developed to predict the effect of missense changes on protein structure and function (SIFT, PolyPhen-2, Align-GVGD) all suggest that this variant is likely to be disruptive. Experimental studies have shown that this missense change affects KCNH2 function (PMID: 25417810). In summary, the available evidence is currently insufficient to determine the role of this variant in disease. Therefore, it has been classified as a Variant of Uncertain Significance.

Cardiovascular Biomedical Research Unit, Royal Brompton & Harefield NHS Foundation Trust
No classification provided. Condition: Familial long QT syndrome. Review status: no classification provided. Collection method: literature only. Allele origin: germline. Not counted in ClinVar's aggregate classification.
Comment: This variant has been reported as associated with Long QT syndrome in the following publications (PMID:10862104). This is a literature report, and does not necessarily reflect the clinical interpretation of the Imperial College / Royal Brompton Cardiovascular Genetics laboratory.

Literature cited by the submitters: PubMed 10862104 (cited by Labcorp Genetics (formerly Invitae), Labcorp and Cardiovascular Biomedical Research Unit, Royal Brompton & Harefield NHS Foundation Trust); PubMed 25417810 (cited by Labcorp Genetics (formerly Invitae), Labcorp); PubMed 22581653 (cited by Cardiovascular Biomedical Research Unit, Royal Brompton & Harefield NHS Foundation Trust).